The following is an entry in ClinVar:

NM_004973.4(JARID2):c.3360G>A (p.Ala1120=)

Gene: JARID2 (jumonji and AT-rich interaction domain containing 2; plus strand). Cytogenetic location: 6p22.3.
Variant type: single nucleotide variant.
Coding change: c.3360G>A on transcript NM_004973.4 (MANE Select); coding-DNA position 3360, G replaced by A.
Protein change: p.Ala1120=; no amino-acid change (alanine 1120 retained).
Molecular consequence: synonymous variant.
Genome position (GRCh38, 1-based): chr6:15,513,332, G>A. VCF-style: chr6-15513332-G-A. GRCh37 (hg19) VCF-style: chr6-15513563-G-A.
Other names: c.2844G>A, p.Ala948= (NM_001267040.1).
Identifiers: ClinVar variation 4872513 (VCV004872513.2).
Genomic context (GRCh38, chr6:15,513,332, plus strand): 5'-CGAGGCTGGCCTCCACTCCTCCGCACGCTATGGCAGCCACGATGGCAGCAGCACGGTGGC[G>A]GACGGGAAGAAAAAGCCTCGAAAGTGGCTGCAGTTGGAGACGTCAGAGAGGAGGTGTCAG-3'
Protein context (NP_004964.2, residues 1110-1130): YGSHDGSSTV[Ala1120=]DGKKKPRKWL

ClinVar aggregate classification (germline): Likely benign (1 of 4 stars; one submission).

gnomAD v4.1: 54 of 1,612,790 alleles (0.0033%); highest among the groups gnomAD compares: Admixed American, 0.063%; 1 homozygote.

Submission:

CeGaT Center for Human Genetics Tuebingen
Classification: Likely benign. Last evaluated: 2026-06-01. Review status: criteria provided, single submitter. Criteria: CeGaT Center For Human Genetics Tuebingen Variant Classification Criteria Version 2. Collection method: clinical testing. Allele origin: germline. Affected: yes. Observed: 1 variant allele.
Comment: JARID2: BP4, BP7